The following is an entry in ClinVar:

ClinVar aggregate classification (germline): Likely pathogenic. Review status: criteria provided, multiple submitters, no conflicts (2 of 4 stars). 6 submissions from 6 submitters: Likely pathogenic (5). 1 of the submissions does not count toward it. Last evaluated 2025-11-19.

Conditions:
TRMU-related disorder. Also called: TRMU-related condition.
Acute infantile liver failure due to synthesis defect of mtDNA-encoded proteins. Also called: Liver failure acute infantile; LIVER FAILURE, INFANTILE, TRANSIENT; TRMU Deficiency. Identifiers: Orphanet 217371, MedGen C3278664, MONDO:0013111, OMIM 613070.
Aminoglycoside-induced deafness. Also called: MT-RNR1-Related Hearing Loss and Deafness; DEAFNESS, STREPTOMYCIN-INDUCED; STREPTOMYCIN OTOTOXICITY. Identifiers: Orphanet 168609, MedGen C1838854, MONDO:0010799, OMIM 580000.

Allele frequency attached by ClinVar (database versions not stated): gnomAD exomes below 0.00001; ExAC 0.00001; TOPMed 0.00001; gnomAD 0.00002.
gnomAD v4.1: 21 of 1,613,022 alleles (0.0013%); highest among the groups gnomAD compares: Non-Finnish European, 0.0017%; no homozygotes.

Submissions (6):

Natera, Inc.
Classification: Likely pathogenic for Acute infantile liver failure due to synthesis defect of mtDNA-encoded proteins. Last evaluated: 2025-11-19. Review status: criteria provided, single submitter. Criteria: Natera Variant Classification Schema (03/2026). Collection method: clinical testing. Allele origin: germline.
Comment: The c.1102-3C>G variant in TRMU is an intronic variant located outside the canonical splice sites. This variant is rare in the general population with a frequency below the threshold expected for the associated phenotype(s). This variant has been observed in one or more individuals affected with the associated recessive disease, as either homozygous or compound heterozygous with a second variant (PMID: 21931168). Functional studies show that this variant may disrupt protein function (PMID: 21931168). Computational prediction algorithms indicate this variant is likely to affect gene or protein function. Given the available evidence, this variant is classified as Likely Pathogenic.

Labcorp Genetics (formerly Invitae), Labcorp
Classification: Likely pathogenic. Last evaluated: 2025-07-05. Review status: criteria provided, single submitter. Criteria: Invitae Variant Classification Sherloc (09022015). Collection method: clinical testing. Allele origin: germline.
Comment: This sequence change falls in intron 10 of the TRMU gene. It does not directly change the encoded amino acid sequence of the TRMU protein. RNA analysis indicates that this variant induces altered splicing and likely disrupts the C-terminus of the protein. This variant is present in population databases (rs753039116, gnomAD 0.002%). This variant has been observed in individual(s) with acute infantile liver failure (PMID: 21931168). In at least one individual the data is consistent with being in trans (on the opposite chromosome) from a pathogenic variant. ClinVar contains an entry for this variant (Variation ID: 427012). Variants that disrupt the consensus splice site are a relatively common cause of aberrant splicing (PMID: 17576681, 9536098). Studies have shown that this variant results in activation of a cryptic splice site and introduces a new termination codon (PMID: 21931168). However the mRNA is not expected to undergo nonsense-mediated decay. In summary, the currently available evidence indicates that the variant is pathogenic, but additional data are needed to prove that conclusively. Therefore, this variant has been classified as Likely Pathogenic.

Blueprint Genetics
Classification: Likely pathogenic for TRMU-related disorders. Last evaluated: 2024-10-25. Review status: criteria provided, single submitter. Criteria: ACMG Guidelines, 2015. Collection method: clinical testing. Allele origin: germline. Affected: yes. Observed: 1 variant allele.

Baylor Genetics
Classification: Likely pathogenic for Aminoglycoside-induced deafness. Last evaluated: 2023-08-11. Review status: criteria provided, single submitter. Criteria: ACMG Guidelines, 2015. Collection method: clinical testing. Allele origin: unknown.

GeneDx
Classification: Likely pathogenic. Last evaluated: 2015-12-28. Review status: criteria provided, single submitter. Criteria: GeneDx Variant Classification (06012015). Collection method: clinical testing. Allele origin: germline. Affected: yes.
Comment: The c.1102-3 C>G splice site variant in the TRMU gene has been previously reported in an individual with reversible infantile respiratory chain deficiency and hepatic failure who was also heterozygous for another variant in the TRMU gene (Uusimaa et al., 2011). This variant reduces the quality of the splice acceptor site in intron 10 and results in the creation of a new splice acceptor site 2 base pairs upstream of the canonical splice acceptor site, and is expected to cause abnormal gene splicing (Uusimaa et al., 2011).

OMIM
Classification: Pathogenic for LIVER FAILURE, INFANTILE, TRANSIENT. Last evaluated: 2011-10-01. Review status: no assertion criteria provided. Collection method: literature only. Allele origin: germline. Not counted in ClinVar's aggregate classification.

Literature cited by the submitters: PubMed 21931168 (cited by 3 submitters); PubMed 17576681 (cited by Labcorp Genetics (formerly Invitae), Labcorp); PubMed 9536098 (cited by Labcorp Genetics (formerly Invitae), Labcorp).

NM_018006.5(TRMU):c.1102-3C>G

Gene: TRMU (tRNA mitochondrial 2-thiouridylase; plus strand). Cytogenetic location: 22q13.31.
Variant type: single nucleotide variant.
Coding change: c.1102-3C>G on transcript NM_018006.5 (MANE Select); 3 bases into the intron before coding-DNA position 1102, C replaced by G.
Molecular consequence: intron variant.
Genome position (GRCh38, 1-based): chr22:46,356,839, C>G. VCF-style: chr22-46356839-C-G. GRCh37 (hg19) VCF-style: chr22-46752736-C-G.
Other names: IVS11AS, C-G, -3; c.1019-3C>G (NM_001282785.2); c.760-3C>G (NM_001282782.2); c.682-3C>G (NM_001282783.2); c.599-3C>G (NM_001282784.2).
Identifiers: ClinVar variation 427012 (VCV000427012.23), dbSNP rs753039116, ClinGen allele CA10292443.